The following is an entry in ClinVar:

ClinVar aggregate classification (germline): Likely benign. Review status: criteria provided, single submitter (1 of 4 stars). 2 submissions from 2 submitters: Likely benign (1). 1 of the submissions does not count toward it. Last evaluated 2025-12-03.

Conditions:
DMXL2-related disorder. Also called: DMXL2-related condition.

Allele frequency attached by ClinVar (database versions not stated): gnomAD exomes 0.00008; TOPMed 0.00008; gnomAD 0.00013; ESP Exome Variant Server 0.00015; ExAC 0.00016.
gnomAD v4.1: 146 of 1,614,058 alleles (0.009%); highest among the groups gnomAD compares: Non-Finnish European, 0.0018%; no homozygotes.

Submissions (2):

Labcorp Genetics (formerly Invitae), Labcorp
Classification: Likely benign. Last evaluated: 2025-12-03. Review status: criteria provided, single submitter. Criteria: Invitae Variant Classification Sherloc (09022015). Collection method: clinical testing. Allele origin: germline.

PreventionGenetics, part of Exact Sciences
Classification: Likely benign for DMXL2-related condition. Last evaluated: 2024-09-24. Review status: no assertion criteria provided. Collection method: clinical testing. Allele origin: germline. Not counted in ClinVar's aggregate classification.
Comment: This variant is classified as likely benign based on ACMG/AMP sequence variant interpretation guidelines (Richards et al. 2015 PMID: 25741868, with internal and published modifications).

NM_001378457.1(DMXL2):c.8234C>G (p.Thr2745Ser)

Gene: DMXL2 (Dmx like 2; minus strand). Cytogenetic location: 15q21.2.
Variant type: single nucleotide variant.
Coding change: c.8234C>G on transcript NM_001378457.1 (MANE Select); coding-DNA position 8234, C replaced by G.
Protein change: p.Thr2745Ser; replaces threonine 2745 with serine.
Molecular consequence: missense variant. On other transcripts: non-coding transcript variant (2).
Genome position (GRCh38, 1-based): chr15:51,457,431, G>C on the plus strand (C>G on the coding strand, the complement: DMXL2 is on the minus strand). VCF-style: chr15-51457431-G-C. GRCh37 (hg19) VCF-style: chr15-51749628-G-C.
Other names: c.8171C>G, p.Thr2724Ser (NM_001174116.3); c.6260C>G, p.Thr2087Ser (NM_001174117.3); c.8231C>G, p.Thr2744Ser (NM_001378458.1); c.7946C>G, p.Thr2649Ser (NM_001378459.1); c.6149C>G, p.Thr2050Ser (NM_001378460.1); c.8168C>G, p.Thr2723Ser (NM_015263.5); c.8171C>G (NM_001174116.1); short protein forms T2050S, T2649S, T2724S, T2744S, T2745S, T2087S, T2723S.
Identifiers: ClinVar variation 2173535 (VCV002173535.5), dbSNP rs201450973, ClinGen allele CA7561102.